The following is an entry in ClinVar:

ClinVar aggregate classification (germline): Uncertain significance. Review status: criteria provided, multiple submitters, no conflicts (2 of 4 stars). 2 submissions from 2 submitters: Uncertain significance (2). Last evaluated 2024-04-05.

Conditions:
NIK deficiency. Also called: Primary immunodeficiency with multifaceted aberrant lymphoid immunity. Identifiers: Orphanet 447731, MedGen C5680065, MONDO:0018642.

Allele frequency attached by ClinVar (database versions not stated): gnomAD 0.00001; TOPMed 0.00003; gnomAD exomes 0.00004 and 0.00006; ExAC 0.00008.
gnomAD v4.1: 54 of 1,613,894 alleles (0.0033%); highest among the groups gnomAD compares: South Asian, 0.013%; no homozygotes.

Submissions (2):

Labcorp Genetics (formerly Invitae), Labcorp
Classification: Uncertain significance for NIK deficiency. Last evaluated: 2024-04-05. Review status: criteria provided, single submitter. Criteria: Invitae Variant Classification Sherloc (09022015). Collection method: clinical testing. Allele origin: germline.
Comment: This sequence change replaces glutamic acid, which is acidic and polar, with lysine, which is basic and polar, at codon 215 of the MAP3K14 protein (p.Glu215Lys). This variant is present in population databases (rs753550438, gnomAD 0.02%). This variant has not been reported in the literature in individuals affected with MAP3K14-related conditions. ClinVar contains an entry for this variant (Variation ID: 567727). Experimental studies and prediction algorithms are not available or were not evaluated, and the functional significance of this variant is currently unknown. In summary, the available evidence is currently insufficient to determine the role of this variant in disease. Therefore, it has been classified as a Variant of Uncertain Significance.

Breakthrough Genomics
Classification: Uncertain significance. Review status: criteria provided, single submitter. Criteria: ACMG Guidelines, 2015. Collection method: not provided. Allele origin: germline. Inheritance: Unknown mechanism. Affected: yes.

NM_003954.5(MAP3K14):c.643G>A (p.Glu215Lys)

Gene: MAP3K14 (mitogen-activated protein kinase kinase kinase 14; minus strand). Cytogenetic location: 17q21.31.
Variant type: single nucleotide variant.
Coding change: c.643G>A on transcript NM_003954.5 (MANE Select); coding-DNA position 643, G replaced by A.
Protein change: p.Glu215Lys; replaces glutamic acid 215 with lysine.
Molecular consequence: missense variant.
Genome position (GRCh38, 1-based): chr17:45,286,940, C>T on the plus strand (G>A on the coding strand, the complement: MAP3K14 is on the minus strand). VCF-style: chr17-45286940-C-T. GRCh37 (hg19) VCF-style: chr17-43364306-C-T.
Other names: c.643G>A, p.Glu215Lys (LRG_1222t1); short protein forms E215K.
Identifiers: ClinVar variation 567727 (VCV000567727.10), dbSNP rs753550438, ClinGen allele CA8614300.
Genomic context (GRCh38, chr17:45,286,940, plus strand): 5'-ATTGCAAGGGGCTGATCAGTTTGTGGAGTTCTGATCGAGGCAGAGCCGGCCGTAGGCCCT[C>T]GCCAAGCTGCTTAAAACAGAGTTGCCCAAGGCCTGGTTCCTTCAGAGGCTTGGTGAACTG-3'
Protein context (NP_003945.2, residues 205-225): LGQLCFKQLG[Glu215Lys]GLRPALPRSE